The following is an entry in ClinVar:

NM_006231.4(POLE):c.4201T>A (p.Ser1401Thr)

Gene: POLE (DNA polymerase epsilon, catalytic subunit; minus strand). Cytogenetic location: 12q24.33.
Variant type: single nucleotide variant.
Coding change: c.4201T>A on transcript NM_006231.4 (MANE Select); coding-DNA position 4201, T replaced by A.
Protein change: p.Ser1401Thr; replaces serine 1401 with threonine.
Molecular consequence: missense variant.
Genome position (GRCh38, 1-based): chr12:132,643,926, A>T on the plus strand (T>A on the coding strand, the complement: POLE is on the minus strand). VCF-style: chr12-132643926-A-T. GRCh37 (hg19) VCF-style: chr12-133220512-A-T.
Other names: c.4201T>A (NM_006231.2); short protein forms S1401T.
Identifiers: ClinVar variation 2013168 (VCV002013168.5), dbSNP rs1167378106, ClinGen allele CA387382290.

ClinVar aggregate classification (germline): Uncertain significance. Review status: criteria provided, multiple submitters, no conflicts (2 of 4 stars). 2 submissions from 2 submitters: Uncertain significance (2). Last evaluated 2026-08-03.

Conditions:
Hereditary cancer-predisposing syndrome. Also called: Hereditary neoplastic syndrome; Neoplastic Syndromes, Hereditary; Tumor predisposition; Hereditary Cancer Syndrome. Identifiers: Orphanet 140162, MedGen C0027672, MeSH D009386, MONDO:0015356.

Allele frequency attached by ClinVar (database versions not stated): TOPMed below 0.00001.

Submissions (2):

Ambry Genetics
Classification: Uncertain significance for Hereditary cancer-predisposing syndrome. Last evaluated: 2026-08-03. Review status: criteria provided, single submitter. Criteria: Ambry Variant Classification Scheme 2023. Collection method: clinical testing. Allele origin: germline.
Comment: The p.S1401T variant (also known as c.4201T>A), located in coding exon 33 of the POLE gene, results from a T to A substitution at nucleotide position 4201. The serine at codon 1401 is replaced by threonine, an amino acid with similar properties. This amino acid position is conserved. In addition, this alteration is predicted to be tolerated by in silico analysis. Based on the available evidence, the clinical significance of this variant remains unclear.

Labcorp Genetics (formerly Invitae), Labcorp
Classification: Uncertain significance. Last evaluated: 2022-07-02. Review status: criteria provided, single submitter. Criteria: Invitae Variant Classification Sherloc (09022015). Collection method: clinical testing. Allele origin: germline.
Comment: In summary, the available evidence is currently insufficient to determine the role of this variant in disease. Therefore, it has been classified as a Variant of Uncertain Significance. Algorithms developed to predict the effect of missense changes on protein structure and function (SIFT, PolyPhen-2, Align-GVGD) all suggest that this variant is likely to be tolerated. This variant has not been reported in the literature in individuals affected with POLE-related conditions. This variant is not present in population databases (gnomAD no frequency). This sequence change replaces serine, which is neutral and polar, with threonine, which is neutral and polar, at codon 1401 of the POLE protein (p.Ser1401Thr).